The following is an entry in ClinVar:

NM_003470.3(USP7):c.2617C>G (p.Pro873Ala)

Gene: USP7 (ubiquitin specific peptidase 7; minus strand). Cytogenetic location: 16p13.2.
Variant type: single nucleotide variant.
Coding change: c.2617C>G on transcript NM_003470.3 (MANE Select); coding-DNA position 2617, C replaced by G.
Protein change: p.Pro873Ala; replaces proline 873 with alanine.
Molecular consequence: missense variant. On other transcripts: non-coding transcript variant (1).
Genome position (GRCh38, 1-based): chr16:8,898,554, G>C on the plus strand (C>G on the coding strand, the complement: USP7 is on the minus strand). VCF-style: chr16-8898554-G-C. GRCh37 (hg19) VCF-style: chr16-8992411-G-C.
Other names: c.2569C>G, p.Pro857Ala (NM_001286457.2); c.2320C>G, p.Pro774Ala (NM_001286458.2); c.2443C>G, p.Pro815Ala (NM_001321858.2); short protein forms P774A, P815A, P857A, P873A.
Identifiers: ClinVar variation 4537895 (VCV004537895.2).

ClinVar aggregate classification (germline): Likely pathogenic (1 of 4 stars; one submission).

Submission:

GeneDx
Classification: Likely pathogenic. Last evaluated: 2026-02-25. Review status: criteria provided, single submitter. Criteria: GeneDx Variant Classification Process June 2021. Collection method: clinical testing. Allele origin: germline.
Comment: Not observed at significant frequency in large population cohorts (gnomAD); In silico analysis supports that this missense variant has a deleterious effect on protein structure/function; Has not been previously published as pathogenic or benign to our knowledge